The following is an entry in ClinVar:

ClinVar aggregate classification (germline): Likely pathogenic (1 of 4 stars; one submission).

Submission:

Athena Diagnostics
Classification: Likely pathogenic. Last evaluated: 2022-03-08. Review status: criteria provided, single submitter. Criteria: Athena Diagnostics Criteria. Collection method: clinical testing. Allele origin: unknown.
Comment: This variant is likely inserted in tandem within the DMD gene (PMID: 25640679) and, if so, would severely disrupt protein function. A similar duplication of exons 53-60 has been reported in at least one male with Duchenne muscular dystrophy (DMD). Similar variants have not been reported in large, multi-ethnic general populations.

Literature cited by the submitters: PubMed 29304097; PubMed 21815800; PubMed 33029525.

Single allele

Gene: DMD (dystrophin; minus strand). Cytogenetic location: Xp21.2-21.1.
Variant type: Duplication.
Identifiers: ClinVar variation 1807265 (VCV001807265.1).